The following is an entry in ClinVar:

ClinVar aggregate classification (germline): Benign. Review status: criteria provided, multiple submitters, no conflicts (2 of 4 stars). 4 submissions from 4 submitters: Benign (4). Last evaluated 2026-02-02.

Conditions:
Retinitis pigmentosa (RP). Identifiers: Orphanet 791, MedGen C0035334, MeSH D012174, MONDO:0019200, OMIM 268000. Inheritance: Autosomal dominant, autosomal recessive and X linked inheritance.

Allele frequency attached by ClinVar (database versions not stated): 1000 Genomes Project 0.01138; 1000 Genomes Project 30x 0.01265; TOPMed 0.01596; ESP Exome Variant Server 0.01737; gnomAD 0.01910 and 0.01946; gnomAD exomes 0.02037 and 0.02293; ExAC 0.02086.
gnomAD v4.1: 36,203 of 1,612,818 alleles (2.2%); highest among the groups gnomAD compares: Non-Finnish European, 2.5%; 475 homozygotes.

Submissions (4):

Labcorp Genetics (formerly Invitae), Labcorp
Classification: Benign. Last evaluated: 2026-02-02. Review status: criteria provided, single submitter. Criteria: Invitae Variant Classification Sherloc (09022015). Collection method: clinical testing. Allele origin: germline.

Illumina Laboratory Services, Illumina
Classification: Benign for Retinitis pigmentosa. Last evaluated: 2018-01-12. Review status: criteria provided, single submitter. Criteria: ICSL Variant Classification Criteria 13 December 2019. Collection method: clinical testing. Allele origin: germline.
Comment: This variant was observed in the ICSL laboratory as part of a predisposition screen in an ostensibly healthy population. It had not been previously curated by ICSL or reported in the Human Gene Mutation Database (HGMD: prior to June 1st, 2018), and was therefore a candidate for classification through an automated scoring system. Utilizing variant allele frequency, disease prevalence and penetrance estimates, and inheritance mode, an automated score was calculated to assess if this variant is too frequent to cause the disease. Based on the score and internal cut-off values, a variant classified as benign is not then subjected to further curation. The score for this variant resulted in a classification of benign for this disease.

Eurofins Ntd Llc (ga)
Classification: Benign. Last evaluated: 2015-03-10. Review status: criteria provided, single submitter. Criteria: EGL Classification Definitions 2015. Collection method: clinical testing. Allele origin: germline. Observed: 2 variant alleles, 2 heterozygotes.

Breakthrough Genomics
Classification: Benign. Review status: criteria provided, single submitter. Criteria: ACMG Guidelines, 2015. Collection method: not provided. Allele origin: germline. Inheritance: Unknown mechanism. Affected: yes.

NM_005802.5(TOPORS):c.58C>T (p.Pro20Ser)

Gene: TOPORS (TOP1 binding arginine/serine rich protein, E3 ubiquitin ligase; minus strand). Cytogenetic location: 9p21.1.
Variant type: single nucleotide variant.
Coding change: c.58C>T on transcript NM_005802.5 (MANE Select); coding-DNA position 58, C replaced by T.
Protein change: p.Pro20Ser; replaces proline 20 with serine.
Molecular consequence: missense variant. On other transcripts: intron variant (1).
Genome position (GRCh38, 1-based): chr9:32,550,914, G>A on the plus strand (C>T on the coding strand, the complement: TOPORS is on the minus strand). VCF-style: chr9-32550914-G-A. GRCh37 (hg19) VCF-style: chr9-32550912-G-A.
Other names: c.3+1520C>T (NM_001195622.2); short protein forms P20S.
Identifiers: ClinVar variation 195251 (VCV000195251.18), dbSNP rs112527210, ClinGen allele CA201642.